The following is an entry in ClinVar:

ClinVar aggregate classification (germline): Uncertain significance. Review status: criteria provided, multiple submitters, no conflicts (2 of 4 stars). 2 submissions from 2 submitters: Uncertain significance (2). Last evaluated 2026-05-11.

Allele frequency attached by ClinVar (database versions not stated): ExAC 0.00002; gnomAD exomes 0.00003; gnomAD 0.00003; TOPMed 0.00002.
gnomAD v4.1: 40 of 1,614,052 alleles (0.0025%); highest among the groups gnomAD compares: South Asian, 0.0055%; no homozygotes.

Submissions (2):

Women's Health and Genetics/Laboratory Corporation of America, LabCorp
Classification: Uncertain significance. Last evaluated: 2026-05-11. Review status: criteria provided, single submitter. Criteria: LabCorp Variant Classification Summary - May 2015. Collection method: clinical testing. Allele origin: germline.

Labcorp Genetics (formerly Invitae), Labcorp
Classification: Uncertain significance. Last evaluated: 2024-06-21. Review status: criteria provided, single submitter. Criteria: Invitae Variant Classification Sherloc (09022015). Collection method: clinical testing. Allele origin: germline.
Comment: This sequence change replaces arginine, which is basic and polar, with tryptophan, which is neutral and slightly polar, at codon 2553 of the COL7A1 protein (p.Arg2553Trp). This variant is present in population databases (rs752294739, gnomAD 0.01%). This variant has not been reported in the literature in individuals affected with COL7A1-related conditions. ClinVar contains an entry for this variant (Variation ID: 2199709). Advanced modeling of protein sequence and biophysical properties (such as structural, functional, and spatial information, amino acid conservation, physicochemical variation, residue mobility, and thermodynamic stability) has been performed at Invitae for this missense variant, however the output from this modeling did not meet the statistical confidence thresholds required to predict the impact of this variant on COL7A1 protein function. In summary, the available evidence is currently insufficient to determine the role of this variant in disease. Therefore, it has been classified as a Variant of Uncertain Significance.

NM_000094.4(COL7A1):c.7657C>T (p.Arg2553Trp)

Gene: COL7A1 (collagen type VII alpha 1 chain; minus strand). Cytogenetic location: 3p21.31.
Variant type: single nucleotide variant.
Coding change: c.7657C>T on transcript NM_000094.4 (MANE Select); coding-DNA position 7657, C replaced by T.
Protein change: p.Arg2553Trp; replaces arginine 2553 with tryptophan.
Molecular consequence: missense variant.
Genome position (GRCh38, 1-based): chr3:48,569,404, G>A on the plus strand (C>T on the coding strand, the complement: COL7A1 is on the minus strand). VCF-style: chr3-48569404-G-A. GRCh37 (hg19) VCF-style: chr3-48606837-G-A.
Other names: short protein forms R2553W.
Identifiers: ClinVar variation 2199709 (VCV002199709.4), dbSNP rs752294739, ClinGen allele CA2378368.